The following is an entry in ClinVar:

ClinVar aggregate classification (germline): Uncertain significance. Review status: criteria provided, multiple submitters, no conflicts (2 of 4 stars). 2 submissions from 2 submitters: Uncertain significance (2). Last evaluated 2021-09-07.

Conditions:
Chédiak-Higashi syndrome (CHS). Also called: Chediak-Higashi Syndrome. Identifiers: Orphanet 167, MedGen C0007965, MONDO:0008963, OMIM 214500.

Allele frequency attached by ClinVar (database versions not stated): gnomAD exomes below 0.00001; ExAC 0.00001; gnomAD 0.00001.
gnomAD v4.1: 5 of 1,614,042 alleles (0.00031%); highest among the groups gnomAD compares: Admixed American, 0.0017%; no homozygotes.

Submissions (2):

Fulgent Genetics
Classification: Uncertain significance for Chédiak-Higashi syndrome. Last evaluated: 2021-09-07. Review status: criteria provided, single submitter. Criteria: ACMG Guidelines, 2015. Collection method: clinical testing. Allele origin: unknown.

Labcorp Genetics (formerly Invitae), Labcorp
Classification: Uncertain significance for Chédiak-Higashi syndrome. Last evaluated: 2021-08-31. Review status: criteria provided, single submitter. Criteria: Invitae Variant Classification Sherloc (09022015). Collection method: clinical testing. Allele origin: germline.
Comment: This sequence change replaces proline with leucine at codon 1459 of the LYST protein (p.Pro1459Leu). The proline residue is highly conserved and there is a moderate physicochemical difference between proline and leucine. The frequency data for this variant in the population databases is considered unreliable, as metrics indicate poor data quality at this position in the ExAC database. This variant has not been reported in the literature in individuals affected with LYST-related conditions. Algorithms developed to predict the effect of missense changes on protein structure and function are either unavailable or do not agree on the potential impact of this missense change (SIFT: "Deleterious"; PolyPhen-2: "Benign"; Align-GVGD: "Class C15"). In summary, the available evidence is currently insufficient to determine the role of this variant in disease. Therefore, it has been classified as a Variant of Uncertain Significance.

NM_000081.4(LYST):c.4376C>T (p.Pro1459Leu)

Gene: LYST (lysosomal trafficking regulator; minus strand). Cytogenetic location: 1q42.3.
Variant type: single nucleotide variant.
Coding change: c.4376C>T on transcript NM_000081.4 (MANE Select); coding-DNA position 4376, C replaced by T.
Protein change: p.Pro1459Leu; replaces proline 1459 with leucine.
Molecular consequence: missense variant.
Genome position (GRCh38, 1-based): chr1:235,791,866, G>A on the plus strand (C>T on the coding strand, the complement: LYST is on the minus strand). VCF-style: chr1-235791866-G-A. GRCh37 (hg19) VCF-style: chr1-235955166-G-A.
Other names: c.4376C>T, p.Pro1459Leu (NM_001301365.1); short protein forms P1459L.
Identifiers: ClinVar variation 842895 (VCV000842895.8), dbSNP rs761244658, ClinGen allele CA1466857.